The following is an entry in ClinVar:

ClinVar aggregate classification (germline): Conflicting classifications of pathogenicity. Review status: criteria provided, conflicting classifications (1 of 4 stars). 2 submissions from 2 submitters: Uncertain significance (1); Likely benign (1). Last evaluated 2025-05-15.

Conditions:
Cardiovascular phenotype. Identifiers: MedGen CN230736.
Long QT syndrome (LQTS). Identifiers: MedGen C0023976, MeSH D008133, MONDO:0002442. Disease mechanism: loss of function. Inheritance: Various modes of inheritance.

Allele frequency attached by ClinVar (database versions not stated): gnomAD exomes below 0.00001 and 0.00003; gnomAD 0.00001; TOPMed 0.00002.
gnomAD v4.1: 37 of 1,613,794 alleles (0.0023%); highest among the groups gnomAD compares: Non-Finnish European, 0.0031%; no homozygotes.

Submissions (2):

Labcorp Genetics (formerly Invitae), Labcorp
Classification: Uncertain significance for Long QT syndrome. Last evaluated: 2025-05-15. Review status: criteria provided, single submitter. Criteria: Invitae Variant Classification Sherloc (09022015). Collection method: clinical testing. Allele origin: germline.
Comment: This sequence change replaces alanine, which is neutral and non-polar, with threonine, which is neutral and polar, at codon 1472 of the AKAP9 protein (p.Ala1472Thr). This variant is present in population databases (no rsID available, gnomAD 0.0009%). This variant has not been reported in the literature in individuals affected with AKAP9-related conditions. ClinVar contains an entry for this variant (Variation ID: 1417500). An algorithm developed to predict the effect of missense changes on protein structure and function outputs the following: PolyPhen-2: "Benign". The threonine amino acid residue is found in multiple mammalian species, which suggests that this missense change does not adversely affect protein function. In summary, the available evidence is currently insufficient to determine the role of this variant in disease. Therefore, it has been classified as a Variant of Uncertain Significance.

Ambry Genetics
Classification: Likely benign for Cardiovascular phenotype. Last evaluated: 2024-06-16. Review status: criteria provided, single submitter. Criteria: Ambry Variant Classification Scheme 2023. Collection method: clinical testing. Allele origin: germline.

NM_005751.5(AKAP9):c.4414G>A (p.Ala1472Thr)

Gene: AKAP9 (A-kinase anchoring protein 9; plus strand). Cytogenetic location: 7q21.2.
Variant type: single nucleotide variant.
Coding change: c.4414G>A on transcript NM_005751.5 (MANE Select); coding-DNA position 4414, G replaced by A.
Protein change: p.Ala1472Thr; replaces alanine 1472 with threonine.
Molecular consequence: missense variant.
Genome position (GRCh38, 1-based): chr7:92,038,494, G>A. VCF-style: chr7-92038494-G-A. GRCh37 (hg19) VCF-style: chr7-91667808-G-A.
Other names: c.4414G>A, p.Ala1472Thr (NM_147185.3); c.4414G>A (NM_005751.4); short protein forms A1472T.
Identifiers: ClinVar variation 1417500 (VCV001417500.7), dbSNP rs1016368660, ClinGen allele CA161895592.